The following is an entry in ClinVar:

ClinVar aggregate classification (germline): Likely benign. Review status: criteria provided, multiple submitters, no conflicts (2 of 4 stars). 2 submissions from 2 submitters: Likely benign (2). Last evaluated 2025-10-11.

Conditions:
Long QT syndrome (LQTS). Identifiers: MedGen C0023976, MeSH D008133, MONDO:0002442. Disease mechanism: loss of function. Inheritance: Various modes of inheritance.

gnomAD v4.1: 7 of 1,613,360 alleles (0.00043%); highest among the groups gnomAD compares: Admixed American, 0.0033%; no homozygotes.

Submissions (2):

Labcorp Genetics (formerly Invitae), Labcorp
Classification: Likely benign for Long QT syndrome. Last evaluated: 2025-10-11. Review status: criteria provided, single submitter. Criteria: Invitae Variant Classification Sherloc (09022015). Collection method: clinical testing. Allele origin: germline.

GeneDx
Classification: Likely benign. Last evaluated: 2018-04-23. Review status: criteria provided, single submitter. Criteria: GeneDx Variant Classification (06012015). Collection method: clinical testing. Allele origin: germline. Affected: yes.
Comment: This variant is considered likely benign or benign based on one or more of the following criteria: it is a conservative change, it occurs at a poorly conserved position in the protein, it is predicted to be benign by multiple in silico algorithms, and/or has population frequency not consistent with disease.

NM_001148.6(ANK2):c.84+8G>A

Gene: ANK2 (ankyrin 2; plus strand). Cytogenetic location: 4q25.
Variant type: single nucleotide variant.
Coding change: c.84+8G>A on transcript NM_001148.6 (MANE Select); 8 bases into the intron after coding-DNA position 84, G replaced by A.
Molecular consequence: intron variant.
Genome position (GRCh38, 1-based): chr4:113,049,820, G>A. VCF-style: chr4-113049820-G-A. GRCh37 (hg19) VCF-style: chr4-113970976-G-A.
Other names: c.73-124596G>A (NM_001386186.2, NM_001386148.2, NM_001354269.3 and 1 more transcripts); c.22-101260G>A (NM_001386147.1, NM_001386160.1, NM_001354261.2); c.22-124596G>A (NM_001354254.2, NM_001354239.2, NM_001354252.2 and 33 more transcripts); c.84+8G>A (NM_001354241.2, NM_001354225.2, NM_001354235.2 and 10 more transcripts).
Identifiers: ClinVar variation 219922 (VCV000219922.8), dbSNP rs766430801, ClinGen allele CA348505.